The following is an entry in ClinVar:

NM_177438.3(DICER1):c.3379A>G (p.Ile1127Val)

Gene: DICER1 (dicer 1, ribonuclease III; minus strand). Cytogenetic location: 14q32.13.
Variant type: single nucleotide variant.
Coding change: c.3379A>G on transcript NM_177438.3 (MANE Select); coding-DNA position 3379, A replaced by G.
Protein change: p.Ile1127Val; replaces isoleucine 1127 with valine.
Molecular consequence: missense variant.
Genome position (GRCh38, 1-based): chr14:95,104,017, T>C on the plus strand (A>G on the coding strand, the complement: DICER1 is on the minus strand). VCF-style: chr14-95104017-T-C. GRCh37 (hg19) VCF-style: chr14-95570354-T-C.
Other names: c.3379A>G, p.Ile1127Val (NM_001195573.1, NM_001271282.3, NM_001291628.2 and 1 more transcripts); short protein forms I1127V.
Identifiers: ClinVar variation 477138 (VCV000477138.16), dbSNP rs779530679, ClinGen allele CA7331048.

ClinVar aggregate classification (germline): Uncertain significance. Review status: criteria provided, multiple submitters, no conflicts (2 of 4 stars). 2 submissions from 2 submitters: Uncertain significance (2). Last evaluated 2025-01-29.

Conditions:
DICER1-related tumor predisposition. Also called: DICER1-related pleuropulmonary blastoma cancer predisposition syndrome; DICER1 syndrome. Identifiers: Orphanet 284343, MedGen C3839822, MONDO:0100216.
Hereditary cancer-predisposing syndrome. Also called: Tumor predisposition; Neoplastic Syndromes, Hereditary; Hereditary Cancer Syndrome; Hereditary neoplastic syndrome. Identifiers: Orphanet 140162, MedGen C0027672, MeSH D009386, MONDO:0015356.

Allele frequency attached by ClinVar (database versions not stated): gnomAD exomes below 0.00001 and 0.00002; TOPMed below 0.00001; ExAC 0.00001; gnomAD 0.00001.
gnomAD v4.1: 14 of 1,614,030 alleles (0.00087%); highest among the groups gnomAD compares: East Asian, 0.027%; no homozygotes.

Submissions (2):

Labcorp Genetics (formerly Invitae), Labcorp
Classification: Uncertain significance for DICER1-related tumor predisposition. Last evaluated: 2025-01-29. Review status: criteria provided, single submitter. Criteria: Invitae Variant Classification Sherloc (09022015). Collection method: clinical testing. Allele origin: germline.
Comment: This sequence change replaces isoleucine, which is neutral and non-polar, with valine, which is neutral and non-polar, at codon 1127 of the DICER1 protein (p.Ile1127Val). This variant is present in population databases (rs779530679, gnomAD 0.0009%). This variant has not been reported in the literature in individuals affected with DICER1-related conditions. ClinVar contains an entry for this variant (Variation ID: 477138). Invitae Evidence Modeling of protein sequence and biophysical properties (such as structural, functional, and spatial information, amino acid conservation, physicochemical variation, residue mobility, and thermodynamic stability) indicates that this missense variant is not expected to disrupt DICER1 protein function with a negative predictive value of 95%. In summary, the available evidence is currently insufficient to determine the role of this variant in disease. Therefore, it has been classified as a Variant of Uncertain Significance.

Ambry Genetics
Classification: Uncertain significance for Hereditary cancer-predisposing syndrome. Last evaluated: 2024-12-22. Review status: criteria provided, single submitter. Criteria: Ambry Variant Classification Scheme 2023. Collection method: clinical testing. Allele origin: germline.
Comment: The p.I1127V variant (also known as c.3379A>G), located in coding exon 20 of the DICER1 gene, results from an A to G substitution at nucleotide position 3379. The isoleucine at codon 1127 is replaced by valine, an amino acid with highly similar properties. This amino acid position is not well conserved in available vertebrate species. In addition, this alteration is predicted to be tolerated by in silico analysis. Since supporting evidence is limited at this time, the clinical significance of this alteration remains unclear.